The following is an entry in ClinVar:

NM_001035.3(RYR2):c.6938T>C (p.Val2313Ala)

Gene: RYR2 (ryanodine receptor 2; plus strand). Cytogenetic location: 1q43.
Variant type: single nucleotide variant.
Coding change: c.6938T>C on transcript NM_001035.3 (MANE Select); coding-DNA position 6938, T replaced by C.
Protein change: p.Val2313Ala; replaces valine 2313 with alanine.
Molecular consequence: missense variant.
Genome position (GRCh38, 1-based): chr1:237,639,024, T>C. VCF-style: chr1-237639024-T-C. GRCh37 (hg19) VCF-style: chr1-237802324-T-C.
Other names: short protein forms V2313A.
Identifiers: ClinVar variation 1397132 (VCV001397132.11), dbSNP rs1681171235, ClinGen allele CA345395750.

ClinVar aggregate classification (germline): Uncertain significance. Review status: criteria provided, multiple submitters, no conflicts (2 of 4 stars). 3 submissions from 3 submitters: Uncertain significance (3). Last evaluated 2022-01-10.

Conditions:
Arrhythmogenic right ventricular dysplasia 2. Identifiers: MedGen C1832931.
Ventricular arrhythmias due to cardiac ryanodine receptor calcium release deficiency syndrome. Also called: Autosomal dominant cardiac arrhythmia (Kuhn). Identifiers: MedGen C5542154, MONDO:0020745, OMIM 115000.
Catecholaminergic polymorphic ventricular tachycardia 1. Also called: VENTRICULAR TACHYCARDIA, CATECHOLAMINERGIC POLYMORPHIC, 1, WITH OR WITHOUT ATRIAL DYSFUNCTION AND/OR DILATED CARDIOMYOPATHY; VENTRICULAR TACHYCARDIA, STRESS-INDUCED POLYMORPHIC 1; RYR2-Related Catecholaminergic Polymorphic Ventricular Tachycardia. Identifiers: Orphanet 3286, MedGen C1631597, MONDO:0011484, OMIM 604772.

Allele frequency attached by ClinVar (database versions not stated): TOPMed below 0.00001.

Submissions (3):

AiLife Diagnostics
Classification: Uncertain significance. Last evaluated: 2022-01-10. Review status: criteria provided, single submitter. Criteria: ACMG Guidelines, 2015. Collection method: clinical testing. Allele origin: germline. Affected: yes. Observed: 1 variant allele.

Fulgent Genetics
Classification: Uncertain significance for Ventricular arrhythmias due to cardiac ryanodine receptor calcium release deficiency syndrome; Catecholaminergic polymorphic ventricular tachycardia 1. Last evaluated: 2021-09-10. Review status: criteria provided, single submitter. Criteria: ACMG Guidelines, 2015. Collection method: clinical testing. Allele origin: unknown.

Labcorp Genetics (formerly Invitae), Labcorp
Classification: Uncertain significance for Catecholaminergic polymorphic ventricular tachycardia 1. Last evaluated: 2021-02-25. Review status: criteria provided, single submitter. Criteria: Invitae Variant Classification Sherloc (09022015). Collection method: clinical testing. Allele origin: germline.
Comment: This sequence change replaces valine with alanine at codon 2313 of the RYR2 protein (p.Val2313Ala). The valine residue is highly conserved and there is a small physicochemical difference between valine and alanine. This variant is not present in population databases (ExAC no frequency). This variant has not been reported in the literature in individuals with RYR2-related conditions. Advanced modeling of protein sequence and biophysical properties (such as structural, functional, and spatial information, amino acid conservation, physicochemical variation, residue mobility, and thermodynamic stability) performed at Invitae indicates that this missense variant is expected to disrupt RYR2 protein function. In summary, the available evidence is currently insufficient to determine the role of this variant in disease. Therefore, it has been classified as a Variant of Uncertain Significance.